The following is an entry in ClinVar:

ClinVar aggregate classification (germline): Benign/Likely benign. Review status: criteria provided, multiple submitters, no conflicts (2 of 4 stars). 6 submissions from 6 submitters: Benign (1); Likely benign (5). Last evaluated 2024-12-23.

Conditions:
Lynch syndrome 5 (LYNCH5). Also called: Hereditary non-polyposis colorectal cancer, type 5; Colorectal cancer, hereditary nonpolyposis, type 5. Identifiers: Orphanet 144, MedGen C1833477, MONDO:0013710, OMIM 614350. Disease mechanism: loss of function.
Hereditary nonpolyposis colorectal neoplasms. Identifiers: MedGen C0009405, MeSH D003123.
Hereditary cancer-predisposing syndrome. Also called: Hereditary neoplastic syndrome; Neoplastic Syndromes, Hereditary; Hereditary Cancer Syndrome; Tumor predisposition. Identifiers: Orphanet 140162, MedGen C0027672, MeSH D009386, MONDO:0015356.

Submissions (6):

Myriad Genetics, Inc.
Classification: Benign for Lynch syndrome 5. Last evaluated: 2024-12-23. Review status: criteria provided, single submitter. Criteria: Myriad Autosomal Dominant, Autosomal Recessive and X-Linked Classification Criteria (2023). Collection method: clinical testing. Allele origin: unknown.
Comment: This variant is considered benign. This variant is a silent/synonymous amino acid change and it is not expected to impact splicing.

Labcorp Genetics (formerly Invitae), Labcorp
Classification: Likely benign for Hereditary nonpolyposis colorectal neoplasms. Last evaluated: 2024-04-22. Review status: criteria provided, single submitter. Criteria: Invitae Variant Classification Sherloc (09022015). Collection method: clinical testing. Allele origin: germline.

Blueprint Genetics
Classification: Likely benign. Last evaluated: 2024-02-14. Review status: criteria provided, single submitter. Criteria: ACMG Guidelines, 2015. Collection method: clinical testing. Allele origin: germline.

CeGaT Center for Human Genetics Tuebingen
Classification: Likely benign. Last evaluated: 2023-05-01. Review status: criteria provided, single submitter. Criteria: CeGaT Center For Human Genetics Tuebingen Variant Classification Criteria Version 2. Collection method: clinical testing. Allele origin: germline. Affected: yes. Observed: 1 variant allele.
Comment: MSH6: PM2:Supporting, BP4, BP7

Ambry Genetics
Classification: Likely benign for Hereditary cancer-predisposing syndrome. Last evaluated: 2021-03-23. Review status: criteria provided, single submitter. Criteria: Ambry Variant Classification Scheme 2023. Collection method: clinical testing. Allele origin: germline.

Color Diagnostics, LLC DBA Color Health
Classification: Likely benign for Hereditary cancer-predisposing syndrome. Last evaluated: 2017-04-17. Review status: criteria provided, single submitter. Criteria: ACMG Guidelines, 2015. Collection method: clinical testing. Allele origin: germline.

NM_000179.3(MSH6):c.1167C>G (p.Pro389=)

Gene: MSH6 (mutS homolog 6; plus strand). Cytogenetic location: 2p16.3.
Variant type: single nucleotide variant.
Coding change: c.1167C>G on transcript NM_000179.3 (MANE Select); coding-DNA position 1167, C replaced by G.
Protein change: p.Pro389=; no amino-acid change (proline 389 retained).
Molecular consequence: synonymous variant.
Genome position (GRCh38, 1-based): chr2:47,799,150, C>G. VCF-style: chr2-47799150-C-G. GRCh37 (hg19) VCF-style: chr2-48026289-C-G.
Other names: c.777C>G, p.Pro259= (NM_001281492.2); c.261C>G, p.Pro87= (NM_001281493.2, NM_001281494.2).
Identifiers: ClinVar variation 491867 (VCV000491867.44), dbSNP rs1042819, ClinGen allele CA426121115.